The following is an entry in ClinVar:

ClinVar aggregate classification (germline): Uncertain significance. Review status: criteria provided, multiple submitters, no conflicts (2 of 4 stars). 2 submissions from 2 submitters: Uncertain significance (2). Last evaluated 2025-05-01.

Conditions:
Inborn genetic diseases. Identifiers: MedGen C0950123, MeSH D030342.
Hereditary sensory and autonomic neuropathy type 6. Also called: Neuropathy, hereditary sensory and autonomic, type VI; HSAN VI. Identifiers: Orphanet 314381, MedGen C3539003, MONDO:0013839, OMIM 614653.
Epidermolysis bullosa simplex 3, localized or generalized intermediate, with BP230 deficiency (EBS3). Also called: Epidermolysis bullosa simplex, autosomal recessive 2; Epidermolysis bullosa simplex due to BP230 deficiency. Identifiers: Orphanet 412181, MedGen C3809470, MONDO:0014180, OMIM 615425.

Allele frequency attached by ClinVar (database versions not stated): gnomAD 0.00001 and 0.00003; TOPMed 0.00002; ExAC 0.00014; gnomAD exomes 0.00014.
gnomAD v4.1: 134 of 1,613,756 alleles (0.0083%); highest among the groups gnomAD compares: South Asian, 0.13%; 2 homozygotes.

Submissions (2):

Labcorp Genetics (formerly Invitae), Labcorp
Classification: Uncertain significance for Epidermolysis bullosa simplex 3, localized or generalized intermediate, with BP230 deficiency; Hereditary sensory and autonomic neuropathy type 6. Last evaluated: 2025-05-01. Review status: criteria provided, single submitter. Criteria: Invitae Variant Classification Sherloc (09022015). Collection method: clinical testing. Allele origin: germline.
Comment: The DST gene has multiple clinically relevant transcripts. This variant occurs in alternate transcript NM_015548.4, and corresponds to NM_001723.5:c.*89050G>A in the primary transcript. This sequence change replaces glycine, which is neutral and non-polar, with glutamic acid, which is acidic and polar, at codon 3385 of the DST protein (p.Gly3385Glu). This variant is present in population databases (rs746414483, gnomAD 0.09%). This variant has not been reported in the literature in individuals affected with DST-related conditions. ClinVar contains an entry for this variant (Variation ID: 965755). Experimental studies and prediction algorithms are not available or were not evaluated, and the functional significance of this variant is currently unknown. In summary, the available evidence is currently insufficient to determine the role of this variant in disease. Therefore, it has been classified as a Variant of Uncertain Significance.

Ambry Genetics
Classification: Uncertain significance for Inborn genetic diseases. Last evaluated: 2021-03-31. Review status: criteria provided, single submitter. Criteria: Ambry Variant Classification Scheme 2023. Collection method: clinical testing. Allele origin: germline.
Comment: The p.G3889E variant (also known as c.11666G>A), located in coding exon 63 of the DST gene, results from a G to A substitution at nucleotide position 11666. The glycine at codon 3889 is replaced by glutamic acid, an amino acid with similar properties. This amino acid position is highly conserved in available vertebrate species. In addition, this alteration is predicted to be deleterious by in silico analysis. Since supporting evidence is limited at this time, the clinical significance of this alteration remains unclear.

NM_001374736.1(DST):c.18023G>A (p.Gly6008Glu)

Gene: DST (dystonin; minus strand). Cytogenetic location: 6p12.1.
Variant type: single nucleotide variant.
Coding change: c.18023G>A on transcript NM_001374736.1 (MANE Select); coding-DNA position 18023, G replaced by A.
Protein change: p.Gly6008Glu; replaces glycine 6008 with glutamic acid.
Molecular consequence: missense variant.
Genome position (GRCh38, 1-based): chr6:56,526,467, C>T on the plus strand (G>A on the coding strand, the complement: DST is on the minus strand). VCF-style: chr6-56526467-C-T. GRCh37 (hg19) VCF-style: chr6-56391265-C-T.
Other names: c.11666G>A, p.Gly3889Glu (NM_001144769.5); c.11252G>A, p.Gly3751Glu (NM_001144770.2); c.18023G>A, p.Gly6008Glu (NM_001374722.1); c.17063G>A, p.Gly5688Glu (NM_001374729.1); c.10805G>A, p.Gly3602Glu (NM_001374730.1); c.18050G>A, p.Gly6017Glu (NM_001374734.1); c.10154G>A, p.Gly3385Glu (NM_015548.5); c.11132G>A, p.Gly3711Glu (NM_183380.4); short protein forms G3711E, G3751E, G6017E, G6008E, G3385E, G3602E, G5688E, G3889E.
Identifiers: ClinVar variation 965755 (VCV000965755.9), dbSNP rs746414483, ClinGen allele CA3867317.